The following is an entry in ClinVar:

NM_001130987.2(DYSF):c.2590G>T (p.Ala864Ser)

Gene: DYSF (dysferlin; plus strand). Cytogenetic location: 2p13.2.
Variant type: single nucleotide variant.
Coding change: c.2590G>T on transcript NM_001130987.2 (MANE Select); coding-DNA position 2590, G replaced by T.
Protein change: p.Ala864Ser; replaces alanine 864 with serine.
Molecular consequence: missense variant.
Genome position (GRCh38, 1-based): chr2:71,567,975, G>T. VCF-style: chr2-71567975-G-T. GRCh37 (hg19) VCF-style: chr2-71795105-G-T.
Other names: c.2539G>T, p.Ala847Ser (NM_001130455.2, NM_001130983.2); c.2494G>T, p.Ala832Ser (NM_001130976.2, NM_001130977.2); c.2536G>T, p.Ala846Ser (NM_001130978.2, NM_003494.4); c.2629G>T, p.Ala877Ser (NM_001130979.2); c.2587G>T, p.Ala863Ser (NM_001130980.2, NM_001130981.2); c.2632G>T, p.Ala878Ser (NM_001130982.2); c.2497G>T, p.Ala833Ser (NM_001130984.2, NM_001130986.2); c.2590G>T, p.Ala864Ser (NM_001130985.2); short protein forms A832S, A833S, A846S, A877S, A864S, A847S, A863S, A878S.
Identifiers: ClinVar variation 1995426 (VCV001995426.4), dbSNP rs143632564, ClinGen allele CA347213205.

ClinVar aggregate classification (germline): Uncertain significance (1 of 4 stars; one submission).

Conditions:
Neuromuscular disease caused by qualitative or quantitative defects of dysferlin. Also called: Dysferlinopathy; Qualitative or quantitative defects of dysferlin. Identifiers: Orphanet 207073, MedGen C2931687, MONDO:0016145.

Submission:

Labcorp Genetics (formerly Invitae), Labcorp
Classification: Uncertain significance for Neuromuscular disease caused by qualitative or quantitative defects of dysferlin. Last evaluated: 2022-06-01. Review status: criteria provided, single submitter. Criteria: Invitae Variant Classification Sherloc (09022015). Collection method: clinical testing. Allele origin: germline.
Comment: This sequence change replaces alanine, which is neutral and non-polar, with serine, which is neutral and polar, at codon 846 of the DYSF protein (p.Ala846Ser). In summary, the available evidence is currently insufficient to determine the role of this variant in disease. Therefore, it has been classified as a Variant of Uncertain Significance. Advanced modeling of protein sequence and biophysical properties (such as structural, functional, and spatial information, amino acid conservation, physicochemical variation, residue mobility, and thermodynamic stability) performed at Invitae indicates that this missense variant is not expected to disrupt DYSF protein function. This variant has not been reported in the literature in individuals affected with DYSF-related conditions. This variant is not present in population databases (gnomAD no frequency).